The following is an entry in ClinVar:

NM_000130.5(F5):c.6523del (p.Asp2175fs)

Gene: F5 (coagulation factor V; minus strand). Cytogenetic location: 1q24.2.
Variant type: Deletion.
Coding change: c.6523del on transcript NM_000130.5 (MANE Select); coding-DNA position 6523, one base deleted (G; older notation c.6523delG).
Protein change: p.Asp2175fs; shifts the reading frame from aspartic acid 2175.
Molecular consequence: frameshift variant.
Genome position (GRCh38, 1-based): chr1:169,515,449, C deleted on the plus strand (G on the coding strand, the reverse complement: F5 is on the minus strand); the first of 2 consecutive C bases (chr1:169,515,449-169,515,450); deleting either gives the same sequence. VCF-style (leftmost placement, unchanged base first): chr1-169515448-TC-T. GRCh37 (hg19) VCF-style: chr1-169484686-TC-T.
Other names: short protein forms D2175fs.
Identifiers: ClinVar variation 4691148 (VCV004691148.1).

ClinVar aggregate classification (germline): Uncertain significance (1 of 4 stars; one submission).

Conditions:
Congenital factor V deficiency. Also called: LABILE FACTOR DEFICIENCY; OWREN PARAHEMOPHILIA; PARAHEMOPHILIA; Hereditary factor V deficiency disease. Identifiers: Orphanet 326, MedGen C0015499, MONDO:0009210, OMIM 227400.

Submission:

Labcorp Genetics (formerly Invitae), Labcorp
Classification: Uncertain significance for Congenital factor V deficiency. Last evaluated: 2025-09-30. Review status: criteria provided, single submitter. Criteria: Invitae Variant Classification Sherloc (09022015). Collection method: clinical testing. Allele origin: germline.
Comment: This sequence change creates a premature translational stop signal (p.Asp2175Thrfs*14) in the F5 gene. While this is not anticipated to result in nonsense mediated decay, it is expected to disrupt the last 50 amino acid(s) of the F5 protein. This variant is not present in population databases (gnomAD no frequency). This variant has not been reported in the literature in individuals affected with F5-related conditions. Algorithms developed to predict the effect of sequence changes on RNA splicing suggest that this variant may disrupt the consensus splice site. This variant disrupts a region of the F5 protein in which other variant(s) (p.Phe2192Ser) have been observed in individuals with F5-related conditions (PMID: 33979974). This suggests that this is a clinically significant region of the protein, and that variants that disrupt it are likely to be disease-causing. In summary, the available evidence is currently insufficient to determine the role of this variant in disease. Therefore, it has been classified as a Variant of Uncertain Significance.

Literature cited by the submitters: PubMed 33979974.